The following is an entry in ClinVar:

NM_006348.5(COG5):c.418-1G>T

Gene: COG5 (component of oligomeric golgi complex 5; minus strand). Cytogenetic location: 7q22.3.
Variant type: single nucleotide variant.
Coding change: c.418-1G>T on transcript NM_006348.5 (MANE Select); the canonical splice acceptor site of the intron before coding-DNA position 418, G replaced by T.
Molecular consequence: splice acceptor variant. On other transcripts: intron variant (1).
Genome position (GRCh38, 1-based): chr7:107,527,358, C>A on the plus strand (G>T on the coding strand, the complement: COG5 is on the minus strand). VCF-style: chr7-107527358-C-A. GRCh37 (hg19) VCF-style: chr7-107167803-C-A.
Other names: c.234+30618G>T (NM_001379516.1); c.418-1G>T (NM_001379515.1, NM_001379511.1, NM_001379512.1 and 4 more transcripts).
Identifiers: ClinVar variation 2702849 (VCV002702849.3), dbSNP rs1800848418, ClinGen allele CA368828296.

ClinVar aggregate classification (germline): Likely pathogenic (1 of 4 stars; one submission).

Conditions:
COG5-congenital disorder of glycosylation. Also called: COG5-CDG; CDG IIi; CONGENITAL DISORDER OF GLYCOSYLATION, TYPE IIi. Identifiers: Orphanet 263487, MedGen C3150876, MONDO:0013325, OMIM 613612.

Submission:

Labcorp Genetics (formerly Invitae), Labcorp
Classification: Likely pathogenic for COG5-congenital disorder of glycosylation. Last evaluated: 2023-12-13. Review status: criteria provided, single submitter. Criteria: Invitae Variant Classification Sherloc (09022015). Collection method: clinical testing. Allele origin: germline.
Comment: This sequence change affects an acceptor splice site in intron 5 of the COG5 gene. It is expected to disrupt RNA splicing. Variants that disrupt the donor or acceptor splice site typically lead to a loss of protein function (PMID: 16199547), and loss-of-function variants in COG5 are known to be pathogenic (PMID: 23228021). This variant is not present in population databases (gnomAD no frequency). This variant has not been reported in the literature in individuals affected with COG5-related conditions. Algorithms developed to predict the effect of sequence changes on RNA splicing suggest that this variant may disrupt the consensus splice site. In summary, the currently available evidence indicates that the variant is pathogenic, but additional data are needed to prove that conclusively. Therefore, this variant has been classified as Likely Pathogenic.

Literature cited by the submitters: PubMed 16199547; PubMed 23228021.